The following is an entry in ClinVar:

NM_014639.4(SKIC3):c.4344A>G (p.Leu1448=)

Gene: SKIC3 (SKI3 subunit of superkiller complex; minus strand). Cytogenetic location: 5q15.
Variant type: single nucleotide variant.
Coding change: c.4344A>G on transcript NM_014639.4 (MANE Select); coding-DNA position 4344, A replaced by G.
Protein change: p.Leu1448=; no amino-acid change (leucine 1448 retained).
Molecular consequence: synonymous variant.
Genome position (GRCh38, 1-based): chr5:95,478,311, T>C on the plus strand (A>G on the coding strand, the complement: SKIC3 is on the minus strand). VCF-style: chr5-95478311-T-C. GRCh37 (hg19) VCF-style: chr5-94814015-T-C.
Identifiers: ClinVar variation 282565 (VCV000282565.42), dbSNP rs139074002, ClinGen allele CA3346419.
Genomic context (GRCh38, chr5:95,478,311, plus strand): 5'-AATCAATTTTTCATGATCATAATTATAACATGATCTTACCATACAGACTTTTAATGCAAG[T>C]AGTGCTAGTCTCAACAGACTTGAGAGCTTCCCACTCCAACTGCCCCGTTGGGATGCCAAT-3'
Protein context (NP_055454.1, residues 1438-1458): GKLSSLLRLA[Leu1448=]LALKVCMANI

ClinVar aggregate classification (germline): Benign/Likely benign. Review status: criteria provided, multiple submitters, no conflicts (2 of 4 stars). 6 submissions from 6 submitters: Benign (1); Likely benign (3). 2 of the submissions do not count toward it. Last evaluated 2026-09-01.

Allele frequency attached by ClinVar (database versions not stated): 1000 Genomes Project 0.00080; 1000 Genomes Project 30x 0.00125; gnomAD 0.00263 and 0.00264; TOPMed 0.00271; gnomAD exomes 0.00304 and 0.00354; ExAC 0.00324; ESP Exome Variant Server 0.00423.
gnomAD v4.1: 4,914 of 1,613,904 alleles (0.3%); highest among the groups gnomAD compares: Middle Eastern, 0.43%; 22 homozygotes.

Submissions (6):

CeGaT Center for Human Genetics Tuebingen
Classification: Likely benign. Last evaluated: 2026-09-01. Review status: criteria provided, single submitter. Criteria: CeGaT Center For Human Genetics Tuebingen Variant Classification Criteria Version 2. Collection method: clinical testing. Allele origin: germline. Affected: yes. Observed: 10 variant alleles.
Comment: SKIC3: BP4, BP7

Labcorp Genetics (formerly Invitae), Labcorp
Classification: Benign. Last evaluated: 2026-02-02. Review status: criteria provided, single submitter. Criteria: Invitae Variant Classification Sherloc (09022015). Collection method: clinical testing. Allele origin: germline.

ARUP Laboratories, Molecular Genetics and Genomics, ARUP Laboratories
Classification: Likely benign. Last evaluated: 2024-01-18. Review status: criteria provided, single submitter. Criteria: ARUP Molecular Germline Variant Investigation Process 2024. Collection method: clinical testing. Allele origin: germline.

Eurofins Ntd Llc (ga)
Classification: Likely benign. Last evaluated: 2015-08-20. Review status: criteria provided, single submitter. Criteria: EGL Classification Definitions 2015. Collection method: clinical testing. Allele origin: germline. Observed: 1 variant allele, 1 heterozygote.

Clinical Genetics DNA and cytogenetics Diagnostics Lab, Erasmus MC, Erasmus Medical Center
Classification: Likely benign. Review status: no assertion criteria provided. Collection method: clinical testing. Allele origin: germline. Affected: yes. Study: VKGL Data-share Consensus. Not counted in ClinVar's aggregate classification.

Genome Diagnostics Laboratory, University Medical Center Utrecht
Classification: Likely benign. Review status: no assertion criteria provided. Collection method: clinical testing. Allele origin: germline. Affected: yes. Study: VKGL Data-share Consensus. Not counted in ClinVar's aggregate classification.